The following is an entry in ClinVar:

NM_000273.3(GPR143):c.509_510del (p.Val170fs)

Gene: GPR143 (G protein-coupled receptor 143; minus strand). Cytogenetic location: Xp22.2.
Variant type: Microsatellite.
Coding change: c.509_510del on transcript NM_000273.3 (MANE Select); coding-DNA positions 509 to 510, 2 bases deleted (TG; older notation c.509_510delTG).
Protein change: p.Val170fs; shifts the reading frame from valine 170.
Molecular consequence: frameshift variant.
Genome position (GRCh38, 1-based): chrX:9,748,612-9,748,613, CA deleted on the plus strand (TG on the coding strand, the reverse complement: GPR143 is on the minus strand); deleting any 2 consecutive bases within chrX:9,748,612-9,748,617 gives the same sequence; the c. name uses the placement nearest the transcript's 3' end. VCF-style (leftmost placement, unchanged base first): chrX-9748611-CCA-C. GRCh37 (hg19) VCF-style: chrX-9716651-CCA-C.
Other names: c.509_510del, p.Val170fs (NM_001440781.1); short protein forms V170fs.
Identifiers: ClinVar variation 4725803 (VCV004725803.1).

ClinVar aggregate classification (germline): Pathogenic (1 of 4 stars; one submission).

Submission:

Labcorp Genetics (formerly Invitae), Labcorp
Classification: Pathogenic. Last evaluated: 2025-08-20. Review status: criteria provided, single submitter. Criteria: Invitae Variant Classification Sherloc (09022015). Collection method: clinical testing. Allele origin: germline.
Comment: This sequence change creates a premature translational stop signal (p.Val170Glyfs*15) in the GPR143 gene. It is expected to result in an absent or disrupted protein product. Loss-of-function variants in GPR143 are known to be pathogenic (PMID: 15965158, 18978956, 19390656, 21541274, 26160353, 28211458). This variant is not present in population databases (gnomAD no frequency). This variant has not been reported in the literature in individuals affected with GPR143-related conditions. For these reasons, this variant has been classified as Pathogenic.

Literature cited by the submitters: PubMed 15965158; PubMed 18978956; PubMed 19390656; PubMed 21541274; PubMed 26160353; PubMed 28211458.